The following is an entry in ClinVar:

NM_016406.4(UFC1):c.48G>C (p.Leu16=)

Genes: UFC1 (ubiquitin-fold modifier conjugating enzyme 1; plus strand), LOC126805894 (MED14-independent group 3 enhancer GRCh37_chr1:161123368-161124567; plus strand). Cytogenetic location: 1q23.3.
Variant type: single nucleotide variant.
Coding change: c.48G>C on transcript NM_016406.4 (MANE Select); coding-DNA position 48, G replaced by C.
Protein change: p.Leu16=; no amino-acid change (leucine 16 retained).
Molecular consequence: synonymous variant.
Genome position (GRCh38, 1-based): chr1:161,154,045, G>C. VCF-style: chr1-161154045-G-C. GRCh37 (hg19) VCF-style: chr1-161123835-G-C.
Identifiers: ClinVar variation 3044060 (VCV003044060.2), dbSNP rs142213109, ClinGen allele CA1206319.

ClinVar aggregate classification (germline): Likely benign (0 of 4 stars; one submission).

Conditions:
UFC1-related disorder. Also called: UFC1-related condition.

Allele frequency attached by ClinVar (database versions not stated): ExAC 0.00004; gnomAD exomes 0.00008; gnomAD 0.00009; TOPMed 0.00010; 1000 Genomes Project 30x 0.00016; 1000 Genomes Project 0.00020; ESP Exome Variant Server 0.00023.
gnomAD v4.1: 128 of 1,614,078 alleles (0.0079%); highest among the groups gnomAD compares: Admixed American, 0.018%; no homozygotes.

Submission:

PreventionGenetics, part of Exact Sciences
Classification: Likely benign for UFC1-related condition. Last evaluated: 2019-06-05. Review status: no assertion criteria provided. Collection method: clinical testing. Allele origin: germline.
Comment: This variant is classified as likely benign based on ACMG/AMP sequence variant interpretation guidelines (Richards et al. 2015 PMID: 25741868, with internal and published modifications).